The following is an entry in ClinVar:

ClinVar aggregate classification (germline): Uncertain significance (1 of 4 stars; one submission).

Allele frequency attached by ClinVar (database versions not stated): gnomAD 0.00001; TOPMed 0.00001; ExAC 0.00003; gnomAD exomes 0.00003 and 0.00004.

Submission:

CeGaT Center for Human Genetics Tuebingen
Classification: Uncertain significance. Last evaluated: 2022-05-01. Review status: criteria provided, single submitter. Criteria: CeGaT Center For Human Genetics Tuebingen Variant Classification Criteria Version 2. Collection method: clinical testing. Allele origin: germline. Affected: yes. Observed: 1 variant allele.
Comment: ACTL6A: PP3

NM_004301.5(ACTL6A):c.67G>A (p.Val23Met)

Gene: ACTL6A (actin like 6A; plus strand). Cytogenetic location: 3q26.33.
Variant type: single nucleotide variant.
Coding change: c.67G>A on transcript NM_004301.5 (MANE Select); coding-DNA position 67, G replaced by A.
Protein change: p.Val23Met; replaces valine 23 with methionine.
Molecular consequence: missense variant. On other transcripts: 5 prime UTR variant (2).
Genome position (GRCh38, 1-based): chr3:179,569,865, G>A. VCF-style: chr3-179569865-G-A. GRCh37 (hg19) VCF-style: chr3-179287653-G-A.
Other names: c.-60G>A (NM_177989.4, NM_178042.4); short protein forms V23M.
Identifiers: ClinVar variation 1695086 (VCV001695086.31), dbSNP rs780327011, ClinGen allele CA2712686.